The following is an entry in ClinVar:

NM_017414.4(USP18):c.401-100A>G

Gene: USP18 (ubiquitin specific peptidase 18; plus strand). Cytogenetic location: 22q11.21.
Variant type: single nucleotide variant.
Coding change: c.401-100A>G on transcript NM_017414.4 (MANE Select); 100 bases into the intron before coding-DNA position 401, A replaced by G.
Molecular consequence: intron variant.
Genome position (GRCh38, 1-based): chr22:18,167,155, A>G. VCF-style: chr22-18167155-A-G. GRCh37 (hg19) VCF-style: chr22-18649922-A-G.
Identifiers: ClinVar variation 2688152 (VCV002688152.2), dbSNP rs9605536, ClinGen allele CA14919844.
Genomic context (GRCh38, chr22:18,167,155, plus strand): 5'-TTTATTGATCACTTCTTCTGTCGTGCCAACTTAGCCTTGCAGTGGGGTGGAGGGCTAGGA[A>G]GAGACAAAGTGATGAGTGTTCATGTGTGTCTAAGTACCAGGGCATGAGAAGCGACTCTGA-3'

ClinVar aggregate classification (germline): Benign (1 of 4 stars; one submission).

Allele frequency attached by ClinVar (database versions not stated): 1000 Genomes Project 0.36182; 1000 Genomes Project 30x 0.37227; gnomAD 0.40393; TOPMed 0.41283.
gnomAD v4.1: 485,044 of 1,409,008 alleles (34%); highest among the groups gnomAD compares: African/African-American, 59%; 87,449 homozygotes.

Submission:

Unidad de Genómica Garrahan, Hospital de Pediatría Garrahan
Classification: Benign. Last evaluated: 2024-01-24. Review status: criteria provided, single submitter. Criteria: ACMG Guidelines, 2015. Collection method: clinical testing. Allele origin: germline. Affected: no. Observed: 42 variant alleles.
Comment: This variant is classified as Benign based on local population frequency. This variant was detected in 44% of patients studied by a panel of primary immunodeficiencies. Number of patients: 42. Only high quality variants are reported.